The following is an entry in ClinVar:

NM_000548.5(TSC2):c.1387_1392delinsCTTT (p.Ile463fs)

Gene: TSC2 (TSC complex subunit 2; plus strand). Cytogenetic location: 16p13.3.
Variant type: Indel.
Coding change: c.1387_1392delinsCTTT on transcript NM_000548.5 (MANE Select); coding-DNA positions 1387 to 1392, ATCAAG replaced by CTTT.
Protein change: p.Ile463fs; shifts the reading frame from isoleucine 463.
Molecular consequence: frameshift variant. On other transcripts: non-coding transcript variant (5), intron variant (1).
Genome position (GRCh38, 1-based): chr16:2,062,997-2,063,002, ATCAAG replaced by CTTT. VCF-style: chr16-2062997-ATCAAG-CTTT. GRCh37 (hg19) VCF-style: chr16-2112998-ATCAAG-CTTT.
Other names: c.43_48delinsCTTT, p.Ile15fs (NM_001406693.1, NM_001406694.1, NM_001406695.1 and 6 more transcripts); c.1387_1392delinsCTTT, p.Ile463fs (NM_021055.3, NM_001077183.3, NM_001114382.3 and 6 more transcripts); c.1276_1281delinsCTTT, p.Ile426fs (NM_001318827.2, NM_001406670.1, NM_001406678.1); c.1240_1245delinsCTTT, p.Ile414fs (NM_001318829.2, NM_001406675.1, NM_001406676.1 and 1 more transcripts); c.787_792delinsCTTT, p.Ile263fs (NM_001318831.2, NM_001406680.1, NM_001406682.1 and 6 more transcripts); c.1420_1425delinsCTTT, p.Ile474fs (NM_001318832.2); c.1477_1482delinsCTTT, p.Ile493fs (NM_001406667.1, NM_001406668.1); c.1375_1380delinsCTTT, p.Ile459fs (NM_001406671.1, NM_001406673.1); and 3 more; short protein forms I15fs, I263fs, I309fs, I414fs, I426fs, I444fs, I459fs, I463fs.
Identifiers: ClinVar variation 3384228 (VCV003384228.1).

ClinVar aggregate classification (germline): Pathogenic (0 of 4 stars; one submission).

Conditions:
Tuberous sclerosis 2 (TSC2). Identifiers: Orphanet 805, MedGen C1860707, MONDO:0013199, OMIM 613254.

Submission:

Clinical Genetics, Synlab MVZ Humangenetik Freiburg
Classification: Pathogenic for Tuberous sclerosis 2. Last evaluated: 2024-08-06. Review status: no assertion criteria provided. Collection method: clinical testing. Allele origin: germline. Affected: yes.
Comment: The variant has not previously been described as pathogenic (HGMD Professional 2024.2) and is not listed in control databases (dbSN